The following is an entry in ClinVar:

ClinVar aggregate classification (germline): Uncertain significance (1 of 4 stars; one submission).

gnomAD v4.1: 15 of 1,593,150 alleles (0.00094%); highest among the groups gnomAD compares: Non-Finnish European, 0.0012%; no homozygotes.

Submission:

Labcorp Genetics (formerly Invitae), Labcorp
Classification: Uncertain significance. Last evaluated: 2024-09-18. Review status: criteria provided, single submitter. Criteria: Invitae Variant Classification Sherloc (09022015). Collection method: clinical testing. Allele origin: germline.
Comment: This sequence change replaces serine, which is neutral and polar, with proline, which is neutral and non-polar, at codon 930 of the NPAT protein (p.Ser930Pro). This variant is present in population databases (rs752251726, gnomAD 0.005%). This variant has not been reported in the literature in individuals affected with NPAT-related conditions. An algorithm developed to predict the effect of missense changes on protein structure and function (PolyPhen-2) suggests that this variant is likely to be disruptive. In summary, the available evidence is currently insufficient to determine the role of this variant in disease. Therefore, it has been classified as a Variant of Uncertain Significance.

NM_002519.3(NPAT):c.2788T>C (p.Ser930Pro)

Gene: NPAT (nuclear protein, coactivator of histone transcription; minus strand). Cytogenetic location: 11q22.3.
Variant type: single nucleotide variant.
Coding change: c.2788T>C on transcript NM_002519.3 (MANE Select); coding-DNA position 2788, T replaced by C.
Protein change: p.Ser930Pro; replaces serine 930 with proline.
Molecular consequence: missense variant.
Genome position (GRCh38, 1-based): chr11:108,170,041, A>G on the plus strand (T>C on the coding strand, the complement: NPAT is on the minus strand). VCF-style: chr11-108170041-A-G. GRCh37 (hg19) VCF-style: chr11-108040768-A-G.
Other names: c.2788T>C, p.Ser930Pro (NM_001321307.1); short protein forms S930P.
Identifiers: ClinVar variation 3620766 (VCV003620766.2).